The following is an entry in ClinVar:

ClinVar aggregate classification (germline): Uncertain significance (1 of 4 stars; one submission).

Allele frequency attached by ClinVar (database versions not stated): gnomAD exomes below 0.00001; TOPMed below 0.00001; ExAC 0.00001; gnomAD 0.00001.
gnomAD v4.1: 2 of 1,613,744 alleles (0.00012%); highest among the groups gnomAD compares: African/African-American, 0.0027%; no homozygotes.

Submission:

Labcorp Genetics (formerly Invitae), Labcorp
Classification: Uncertain significance. Last evaluated: 2025-05-13. Review status: criteria provided, single submitter. Criteria: Invitae Variant Classification Sherloc (09022015). Collection method: clinical testing. Allele origin: germline.
Comment: This sequence change replaces serine, which is neutral and polar, with glycine, which is neutral and non-polar, at codon 496 of the CCT2 protein (p.Ser496Gly). This variant is present in population databases (rs767091682, gnomAD 0.008%). This variant has not been reported in the literature in individuals affected with CCT2-related conditions. ClinVar contains an entry for this variant (Variation ID: 1490546). An algorithm developed to predict the effect of missense changes on protein structure and function (PolyPhen-2) suggests that this variant is likely to be disruptive. In summary, the available evidence is currently insufficient to determine the role of this variant in disease. Therefore, it has been classified as a Variant of Uncertain Significance.

NM_006431.3(CCT2):c.1486A>G (p.Ser496Gly)

Gene: CCT2 (chaperonin containing TCP1 subunit 2; plus strand). Cytogenetic location: 12q15.
Variant type: single nucleotide variant.
Coding change: c.1486A>G on transcript NM_006431.3 (MANE Select); coding-DNA position 1486, A replaced by G.
Protein change: p.Ser496Gly; replaces serine 496 with glycine.
Molecular consequence: missense variant.
Genome position (GRCh38, 1-based): chr12:69,599,913, A>G. VCF-style: chr12-69599913-A-G. GRCh37 (hg19) VCF-style: chr12-69993693-A-G.
Other names: c.1345A>G, p.Ser449Gly (NM_001198842.2); short protein forms S496G, S449G.
Identifiers: ClinVar variation 1490546 (VCV001490546.8), dbSNP rs767091682, ClinGen allele CA6680888.
Genomic context (GRCh38, chr12:69,599,913, plus strand): 5'-TTCTTTGCAGATATGAGGGAAGGCACCATTGGAGATATGGCTATCCTGGGTATAACAGAA[A>G]GTTTTCAAGTGAAGCGACAGGTTCTTCTGAGTGCAGCTGAAGCAGCAGAGGTGATTCTGC-3'
Protein context (NP_006422.1, residues 486-506): GDMAILGITE[Ser496Gly]FQVKRQVLLS